The following is an entry in ClinVar:

ClinVar aggregate classification (germline): Pathogenic/Likely pathogenic. Review status: criteria provided, multiple submitters, no conflicts (2 of 4 stars). 3 submissions from 3 submitters: Pathogenic (1); Likely pathogenic (1). 1 of the submissions does not count toward it. Last evaluated 2026-04-14.

Conditions:
ABCA4-related disorder. Also called: ABCA4-related disorders; ABCA4-related condition. Identifiers: MedGen CN239167.
Stargardt disease 3. Also called: MACULAR DYSTROPHY WITH FLECKS, TYPE 3; STARGARDT-LIKE MACULAR DYSTROPHY, AUTOSOMAL DOMINANT. Identifiers: Orphanet 827, MedGen C1838644, MONDO:0010819, OMIM 600110.

Allele frequency attached by ClinVar (database versions not stated): gnomAD exomes below 0.00001; TOPMed below 0.00001.
gnomAD v4.1: 1 of 1,614,112 alleles (0.000062%); highest among the groups gnomAD compares: Non-Finnish European, 0.000085%; no homozygotes.

Submissions (3):

PreventionGenetics, part of Exact Sciences
Classification: Likely pathogenic for ABCA4-related condition. Last evaluated: 2026-04-14. Review status: criteria provided, single submitter. Criteria: ACMG Guidelines, 2015. Collection method: clinical testing. Allele origin: germline.
Comment: The ABCA4 c.2905A>G variant is predicted to result in the amino acid substitution p.Lys969Glu. This variant was previously reported along with a second established or potentially causative variant in individuals with retinal disease; in one case, segregation studies were performed to demonstrate compound heterozygosity (supplementary data, Miller et al. 2025. PubMed ID: 39763302; supplementary data, Heath Jeffery et al. 2021. PubMed ID: 34125082; supplementary data, Chacon-Camacho et al. 2024. PubMed ID: 39162841; PreventionGenetics internal data). This variant was also reported in the compound heterozygous state in another individual with retinal disease; however, the patient also carried a truncating variant on the same allele (supplementary data, Chacon-Camacho et al. 2024. PubMed ID: 39162841). This variant has not been reported in a large population database (gnomAD), indicating this variant is rare. Taken together, we classify this variant as likely pathogenic.

Labcorp Genetics (formerly Invitae), Labcorp
Classification: Pathogenic. Last evaluated: 2024-07-22. Review status: criteria provided, single submitter. Criteria: Invitae Variant Classification Sherloc (09022015). Collection method: clinical testing. Allele origin: germline.
Comment: This sequence change replaces lysine, which is basic and polar, with glutamic acid, which is acidic and polar, at codon 969 of the ABCA4 protein (p.Lys969Glu). This variant is not present in population databases (gnomAD no frequency). This missense change has been observed in individual(s) with clinical features of ABCA4-related conditions (Invitae). ClinVar contains an entry for this variant (Variation ID: 971758). Advanced modeling of protein sequence and biophysical properties (such as structural, functional, and spatial information, amino acid conservation, physicochemical variation, residue mobility, and thermodynamic stability) performed at Invitae indicates that this missense variant is expected to disrupt ABCA4 protein function with a positive predictive value of 95%. For these reasons, this variant has been classified as Pathogenic.

Ophthalmo-Genetics Lab, Instituto de Oftalmologia Conde de Valenciana
Classification: Pathogenic for Stargardt disease 3. Review status: no assertion criteria provided. Collection method: research. Allele origin: germline. Inheritance: Autosomal recessive inheritance. Affected: yes. Not counted in ClinVar's aggregate classification.

Literature cited by the submitters: PubMed 20029649 (cited by Ophthalmo-Genetics Lab, Instituto de Oftalmologia Conde de Valenciana).

NM_000350.3(ABCA4):c.2905A>G (p.Lys969Glu)

Gene: ABCA4 (ATP binding cassette subfamily A member 4; minus strand). Cytogenetic location: 1p22.1.
Variant type: single nucleotide variant.
Coding change: c.2905A>G on transcript NM_000350.3 (MANE Select); coding-DNA position 2905, A replaced by G.
Protein change: p.Lys969Glu; replaces lysine 969 with glutamic acid.
Molecular consequence: missense variant.
Genome position (GRCh38, 1-based): chr1:94,046,932, T>C on the plus strand (A>G on the coding strand, the complement: ABCA4 is on the minus strand). VCF-style: chr1-94046932-T-C. GRCh37 (hg19) VCF-style: chr1-94512488-T-C.
Other names: c.2683A>G, p.Lys895Glu (NM_001425324.1); short protein forms K969E, K895E.
Identifiers: ClinVar variation 971758 (VCV000971758.11), dbSNP rs1660700260, ClinGen allele CA341275309.